The following is an entry in ClinVar:

NM_206933.4(USH2A):c.2167+11C>T

Gene: USH2A (usherin; minus strand). Cytogenetic location: 1q41.
Variant type: single nucleotide variant.
Coding change: c.2167+11C>T on transcript NM_206933.4 (MANE Select); 11 bases into the intron after coding-DNA position 2167, C replaced by T.
Molecular consequence: intron variant.
Genome position (GRCh38, 1-based): chr1:216,250,892, G>A on the plus strand (C>T on the coding strand, the complement: USH2A is on the minus strand). VCF-style: chr1-216250892-G-A. GRCh37 (hg19) VCF-style: chr1-216424234-G-A.
Other names: c.2167+11C>T (NM_007123.6).
Identifiers: ClinVar variation 228210 (VCV000228210.18), dbSNP rs139647897, ClinGen allele CA1396294.

ClinVar aggregate classification (germline): Conflicting classifications of pathogenicity. Review status: criteria provided, conflicting classifications (1 of 4 stars). 5 submissions from 4 submitters: Uncertain significance (2); Likely benign (3). Last evaluated 2026-01-26.

Conditions:
Retinitis pigmentosa (RP). Identifiers: Orphanet 791, MedGen C0035334, MeSH D012174, MONDO:0019200, OMIM 268000. Inheritance: Autosomal dominant, autosomal recessive and X linked inheritance.
Usher syndrome type 2A. Also called: RETINAL DISEASE IN USHER SYNDROME TYPE IIA, MODIFIER OF; USHER SYNDROME, TYPE IIA. Identifiers: Orphanet 231178, Orphanet 886, MedGen C1848634, MONDO:0010169, OMIM 276901.

Allele frequency attached by ClinVar (database versions not stated): gnomAD exomes 0.00021; ExAC 0.00023; gnomAD 0.00029 and 0.00032; TOPMed 0.00040; 1000 Genomes Project 30x 0.00062; ESP Exome Variant Server 0.00062; 1000 Genomes Project 0.00080.
gnomAD v4.1: 283 of 1,613,396 alleles (0.018%); highest among the groups gnomAD compares: African/African-American, 0.076%; 1 homozygote.

Submissions (5):

Labcorp Genetics (formerly Invitae), Labcorp
Classification: Likely benign. Last evaluated: 2026-01-26. Review status: criteria provided, single submitter. Criteria: Invitae Variant Classification Sherloc (09022015). Collection method: clinical testing. Allele origin: germline.

Blueprint Genetics
Classification: Likely benign. Last evaluated: 2024-05-30. Review status: criteria provided, single submitter. Criteria: ACMG Guidelines, 2015. Collection method: clinical testing. Allele origin: germline.

Illumina Laboratory Services, Illumina
Classification: Uncertain significance for Usher syndrome type 2A. Last evaluated: 2018-01-12. Review status: criteria provided, single submitter. Criteria: ICSL Variant Classification Criteria 13 December 2019. Collection method: clinical testing. Allele origin: germline.

Illumina Laboratory Services, Illumina
Classification: Uncertain significance for Retinitis pigmentosa. Last evaluated: 2018-01-12. Review status: criteria provided, single submitter. Criteria: ICSL Variant Classification Criteria 13 December 2019. Collection method: clinical testing. Allele origin: germline.

Laboratory for Molecular Medicine, Mass General Brigham Personalized Medicine
Classification: Likely benign. Last evaluated: 2017-01-25. Review status: criteria provided, single submitter. Criteria: LMM Criteria. Collection method: clinical testing. Allele origin: germline. Observed: 5 variant alleles.
Comment: c.2167+11C>T in intron 12 of USH2A: This variant is not expected to have clinica l significance because it is not located within the conserved splice consensus s equence. It has been identified in 7/9518 African chromosomes by the Exome Aggr egation Consortium (ExAC; dbSNP rs139647897).